The following is an entry in ClinVar:

ClinVar aggregate classification (germline): Benign/Likely benign. Review status: criteria provided, multiple submitters, no conflicts (2 of 4 stars). 22 submissions from 21 submitters: Benign (15); Likely benign (1). 6 of the submissions do not count toward it. Last evaluated 2026-02-04.

Conditions:
Hereditary cancer-predisposing syndrome. Also called: Tumor predisposition; Neoplastic Syndromes, Hereditary; Hereditary neoplastic syndrome; Hereditary Cancer Syndrome. Identifiers: Orphanet 140162, MedGen C0027672, MeSH D009386, MONDO:0015356.
Ovarian cancer. Also called: OVARIAN CANCER, SOMATIC. Identifiers: Orphanet 213500, MedGen C1140680, MONDO:0008170, OMIM 167000.
Fanconi anemia complementation group J. Also called: BRIP1-Related Fanconi Anemia. Identifiers: Orphanet 84, MedGen C1836860, MONDO:0012187, OMIM 609054.
Familial cancer of breast. Also called: BREAST CANCER, FAMILIAL; hereditary breast carcinoma; Hereditary breast cancer. Identifiers: Orphanet 227535, MedGen C0346153, MONDO:0016419, OMIM 114480. Disease mechanism: loss of function.
Hereditary breast ovarian cancer syndrome. Also called: Hereditary breast and ovarian cancer syndrome; Hereditary breast and ovarian cancer syndrome (HBOC); Hereditary breast and ovarian cancer; Breast and ovarian cancer; BRCA1- and BRCA2-Associated Hereditary Breast and Ovarian Cancer; Hereditary breast and/or ovarian cancer syndrome. Identifiers: Orphanet 145, MedGen C0677776, MeSH D061325, MONDO:0003582. Disease mechanism: loss of function.

Allele frequency attached by ClinVar (database versions not stated): gnomAD exomes 0.59167 and 0.59930; ExAC 0.59412; ESP Exome Variant Server 0.60604; gnomAD 0.60614 and 0.60694; 1000 Genomes Project 0.62081; 1000 Genomes Project 30x 0.62492; TOPMed 0.63456.
gnomAD v4.1: 955,857 of 1,612,072 alleles (59%); highest among the groups gnomAD compares: Admixed American, 77%; 287,326 homozygotes.

Submissions (22):

Labcorp Genetics (formerly Invitae), Labcorp
Classification: Benign for Familial cancer of breast; Fanconi anemia complementation group J. Last evaluated: 2026-02-04. Review status: criteria provided, single submitter. Criteria: Invitae Variant Classification Sherloc (09022015). Collection method: clinical testing. Allele origin: germline.

ARUP Laboratories, Molecular Genetics and Genomics, ARUP Laboratories
Classification: Benign. Last evaluated: 2025-07-30. Review status: criteria provided, single submitter. Criteria: ARUP Molecular Germline Variant Investigation Process 2024. Collection method: clinical testing. Allele origin: germline.

GeneKor MSA
Classification: Benign for Hereditary cancer-predisposing syndrome. Last evaluated: 2025-07-10. Review status: criteria provided, single submitter. Criteria: ACMG Guidelines, 2015. Collection method: clinical testing. Allele origin: germline.

Blueprint Genetics
Classification: Likely benign. Last evaluated: 2024-11-28. Review status: criteria provided, single submitter. Criteria: ACMG Guidelines, 2015. Collection method: clinical testing. Allele origin: germline.

KCCC/NGS Laboratory, Kuwait Cancer Control Center
Classification: Benign for Familial cancer of breast. Last evaluated: 2023-07-07. Review status: criteria provided, single submitter. Criteria: ACMG Guidelines, 2015. Collection method: clinical testing. Allele origin: germline. Affected: yes.

Myriad Genetics, Inc.
Classification: Benign for Familial cancer of breast. Last evaluated: 2023-02-28. Review status: criteria provided, single submitter. Criteria: Myriad Autosomal Dominant, Autosomal Recessive and X-Linked Classification Criteria (2023). Collection method: clinical testing. Allele origin: unknown.
Comment: This variant is considered benign. This variant is a silent/synonymous amino acid change and it is not expected to impact splicing.

Mayo Clinic Laboratories, Mayo Clinic
Classification: Benign. Last evaluated: 2022-09-06. Review status: criteria provided, single submitter. Criteria: ACMG Guidelines, 2015. Collection method: clinical testing. Allele origin: germline. Observed: 877 variant alleles.

National Health Laboratory Service, Universitas Academic Hospital and University of the Free State
Classification: Benign for Hereditary breast ovarian cancer syndrome. Last evaluated: 2022-04-19. Review status: criteria provided, single submitter. Criteria: ACMG Guidelines, 2015. Collection method: clinical testing. Allele origin: germline. Affected: yes. Observed: 230 variant alleles.

Fulgent Genetics
Classification: Benign for Familial cancer of breast; Fanconi anemia complementation group J. Last evaluated: 2022-03-23. Review status: criteria provided, single submitter. Criteria: ACMG Guidelines, 2015. Collection method: clinical testing. Allele origin: unknown.

Illumina Laboratory Services, Illumina
Classification: Benign for Fanconi anemia complementation group J. Last evaluated: 2018-01-13. Review status: criteria provided, single submitter. Criteria: ICSL Variant Classification Criteria 13 December 2019. Collection method: clinical testing. Allele origin: germline.
Comment: This variant was observed in the ICSL laboratory as part of a predisposition screen in an ostensibly healthy population. It had not been previously curated by ICSL or reported in the Human Gene Mutation Database (HGMD: prior to June 1st, 2018), and was therefore a candidate for classification through an automated scoring system. Utilizing variant allele frequency, disease prevalence and penetrance estimates, and inheritance mode, an automated score was calculated to assess if this variant is too frequent to cause the disease. Based on the score and internal cut-off values, a variant classified as benign is not then subjected to further curation. The score for this variant resulted in a classification of benign for this disease.

Laboratory for Molecular Medicine, Mass General Brigham Personalized Medicine
Classification: Benign. Last evaluated: 2016-03-29. Review status: criteria provided, single submitter. Criteria: LMM Criteria. Collection method: clinical testing. Allele origin: germline.
Comment: Variant identified in a genome or exome case(s) and assessed due to predicted null impact of the variant or pathogenic assertions in the literature or databases. Disclaimer: This variant has not undergone full assessment. The following are preliminary notes: Frequency

Color Diagnostics, LLC DBA Color Health
Classification: Benign for Hereditary cancer-predisposing syndrome. Last evaluated: 2015-03-31. Review status: criteria provided, single submitter. Criteria: ACMG Guidelines, 2015. Collection method: clinical testing. Allele origin: germline.

GeneDx
Classification: Benign. Last evaluated: 2015-03-03. Review status: criteria provided, single submitter. Criteria: GeneDx Variant Classification Process June 2021. Collection method: clinical testing. Allele origin: germline. Affected: yes.

Ambry Genetics
Classification: Benign for Hereditary cancer-predisposing syndrome. Last evaluated: 2014-11-11. Review status: criteria provided, single submitter. Criteria: Ambry Variant Classification Scheme 2023. Collection method: clinical testing. Allele origin: germline.

Breakthrough Genomics
Classification: Benign. Review status: criteria provided, single submitter. Criteria: ACMG Guidelines, 2015. Collection method: not provided. Allele origin: germline. Inheritance: Autosomal dominant inheritance. Affected: yes.

PreventionGenetics, part of Exact Sciences
Classification: Benign. Review status: criteria provided, single submitter. Criteria: ACMG Guidelines, 2015. Collection method: clinical testing. Allele origin: germline.

Leiden Open Variation Database
Classification: Benign. Last evaluated: 2019-08-13. Review status: no assertion criteria provided. Collection method: curation. Allele origin: germline. Affected: yes. Not counted in ClinVar's aggregate classification.
Comment: Curator: Arleen D. Auerbach. Submitters to LOVD: Maximiliano Zeballos, Yukihide Momozawa.

Counsyl
Classification: Benign for Fanconi anemia complementation group J. Last evaluated: 2016-06-18. Review status: no assertion criteria provided. Collection method: clinical testing. Allele origin: unknown. Not counted in ClinVar's aggregate classification.

Counsyl
Classification: Benign for Ovarian cancer. Last evaluated: 2016-06-18. Review status: no assertion criteria provided. Collection method: clinical testing. Allele origin: unknown. Not counted in ClinVar's aggregate classification.

Clinical Genetics Laboratory, Department of Pathology, Netherlands Cancer Institute
Classification: Benign. Review status: no assertion criteria provided. Collection method: clinical testing. Allele origin: germline. Affected: yes. Study: VKGL Data-share Consensus. Not counted in ClinVar's aggregate classification.

Genome Diagnostics Laboratory, University Medical Center Utrecht
Classification: Benign. Review status: no assertion criteria provided. Collection method: clinical testing. Allele origin: germline. Affected: yes. Study: VKGL Data-share Consensus. Not counted in ClinVar's aggregate classification.

Joint Genome Diagnostic Labs from Nijmegen and Maastricht, Radboudumc and MUMC+
Classification: Benign. Review status: no assertion criteria provided. Collection method: clinical testing. Allele origin: germline. Affected: yes. Study: VKGL Data-share Consensus. Not counted in ClinVar's aggregate classification.

Literature cited by the submitters: PubMed 31214711 (cited by Leiden Open Variation Database).

NM_032043.3(BRIP1):c.3411T>C (p.Tyr1137=)

Gene: BRIP1 (BRCA1 interacting DNA helicase 1; minus strand). Cytogenetic location: 17q23.2.
Variant type: single nucleotide variant.
Coding change: c.3411T>C on transcript NM_032043.3 (MANE Select); coding-DNA position 3411, T replaced by C.
Protein change: p.Tyr1137=; no amino-acid change (tyrosine 1137 retained).
Molecular consequence: synonymous variant.
Genome position (GRCh38, 1-based): chr17:61,683,635, A>G on the plus strand (T>C on the coding strand, the complement: BRIP1 is on the minus strand). VCF-style: chr17-61683635-A-G. GRCh37 (hg19) VCF-style: chr17-59760996-A-G.
Other names: NP_114432.2:p.Tyr1137=; p.Tyr1137=.
Identifiers: ClinVar variation 183702 (VCV000183702.52), dbSNP rs4986763, ClinGen allele CA186174.
Genomic context (GRCh38, chr17:61,683,635, plus strand): 5'-TCTATTTCCTCTATCAGTTTCAGCTAGGTCATTTTTTTCTTCATCTGTATCTTCAGGATC[A>G]TAAAGTTCAGGTGTAAAATAGATAGATTCATCTTCTGCTTCTGTTTCAAAATCTCTATTT-3'
Protein context (NP_114432.2, residues 1127-1147): DESIYFTPEL[Tyr1137=]DPEDTDEEKN